The following is an entry in ClinVar:

ClinVar aggregate classification (germline): Uncertain significance (1 of 4 stars; one submission).

Conditions:
Dilated cardiomyopathy 1HH (CMD1HH). Identifiers: Orphanet 154, MedGen C3151293, MONDO:0013479, OMIM 613881.
Myofibrillar myopathy 6. Identifiers: Orphanet 199340, MedGen C2751831, MONDO:0013061, OMIM 612954.

Submission:

Labcorp Genetics (formerly Invitae), Labcorp
Classification: Uncertain significance for Dilated cardiomyopathy 1HH; Myofibrillar myopathy 6. Last evaluated: 2025-11-18. Review status: criteria provided, single submitter. Criteria: Invitae Variant Classification Sherloc (09022015). Collection method: clinical testing. Allele origin: germline.
Comment: This sequence change replaces arginine, which is basic and polar, with leucine, which is neutral and non-polar, at codon 123 of the BAG3 protein (p.Arg123Leu). This variant is not present in population databases (gnomAD no frequency). This variant has not been reported in the literature in individuals affected with BAG3-related conditions. Invitae Evidence Modeling of protein sequence and biophysical properties (such as structural, functional, and spatial information, amino acid conservation, physicochemical variation, residue mobility, and thermodynamic stability) indicates that this missense variant is not expected to disrupt BAG3 protein function with a negative predictive value of 80%. In summary, the available evidence is currently insufficient to determine the role of this variant in disease. Therefore, it has been classified as a Variant of Uncertain Significance.

NM_004281.4(BAG3):c.368G>T (p.Arg123Leu)

Gene: BAG3 (BAG cochaperone 3; plus strand). Cytogenetic location: 10q26.11.
Variant type: single nucleotide variant.
Coding change: c.368G>T on transcript NM_004281.4 (MANE Select); coding-DNA position 368, G replaced by T.
Protein change: p.Arg123Leu; replaces arginine 123 with leucine.
Molecular consequence: missense variant.
Genome position (GRCh38, 1-based): chr10:119,670,038, G>T. VCF-style: chr10-119670038-G-T. GRCh37 (hg19) VCF-style: chr10-121429550-G-T.
Other names: short protein forms R123L.
Identifiers: ClinVar variation 4782808 (VCV004782808.1).